The following is an entry in ClinVar:

ClinVar aggregate classification (germline): Likely pathogenic (1 of 4 stars; one submission).

Conditions:
Fabry disease. Also called: ALPHA-GALACTOSIDASE A DEFICIENCY; ANDERSON-FABRY DISEASE; CERAMIDE TRIHEXOSIDASE DEFICIENCY; GLA DEFICIENCY; HEREDITARY DYSTOPIC LIPIDOSIS; Angiokeratoma corporis diffusum. Identifiers: Orphanet 324, MedGen C0002986, MONDO:0010526, OMIM 301500, HP:0001071. Disease mechanism: Fabry disease is due to inactivating mutations in the X-linked GLA gene resulting in deficiency of the enzyme Alpha Galactosidase-A., loss of function.

Submission:

Genomenon, Inc
Classification: Likely pathogenic for Fabry disease. Last evaluated: 2026-09-08. Review status: criteria provided, single submitter. Criteria: Genomenon Sequence Variant Interpretation Standards - Updated. Collection method: curation. Allele origin: germline. Affected: no.
Comment: GLA p.Val254GlyfsTer2 (c.760dup) is a frameshift variant that is predicted to introduce a premature termination codon and result in a truncated or absent protein product. This variant has been reported in the published literature (PMID:15776423). It is absent or not present at a significant frequency in gnomAD. In conclusion, we classify GLA p.Val254GlyfsTer2 (c.760dup) as a likely pathogenic variant.

Literature cited by the submitters: PubMed 15776423.

NM_000169.3(GLA):c.760dup (p.Val254fs)

Genes: GLA (galactosidase alpha; minus strand), RPL36A-HNRNPH2 (RPL36A-HNRNPH2 readthrough; plus strand). Cytogenetic location: Xq22.1.
Variant type: Duplication.
Coding change: c.760dup on transcript NM_000169.3 (MANE Select); coding-DNA position 760, one base duplicated (G; older notation c.760dupG).
Protein change: p.Val254fs; shifts the reading frame from valine 254.
Molecular consequence: frameshift variant. On other transcripts: non-coding transcript variant (3), intron variant (2).
Genome position (GRCh38, 1-based): chrX:101,398,826, C duplicated on the plus strand (G on the coding strand, the reverse complement: GLA is on the minus strand). VCF-style (leftmost placement, unchanged base first): chrX-101398825-A-AC. GRCh37 (hg19) VCF-style: chrX-100653813-A-AC.
Other names: c.883dup, p.Val295fs (NM_001406747.1); c.760dup, p.Val254fs (NM_001406748.1); c.300+3369dup (NM_001199973.2); c.177+7004dup (NM_001199974.2); short protein forms V254fs, V295fs.
Identifiers: ClinVar variation 4087003 (VCV004087003.2).